The following is an entry in ClinVar:

ClinVar aggregate classification (germline): Benign/Likely benign. Review status: criteria provided, multiple submitters, no conflicts (2 of 4 stars). 4 submissions from 4 submitters: Benign (2); Likely benign (1). 1 of the submissions does not count toward it. Last evaluated 2026-02-01.

Conditions:
EML1-related disorder. Also called: EML1-related condition.

Allele frequency attached by ClinVar (database versions not stated): gnomAD exomes 0.00036 and 0.00100; ExAC 0.00124; ESP Exome Variant Server 0.00284; 1000 Genomes Project 0.00300; 1000 Genomes Project 30x 0.00312; gnomAD 0.00381 and 0.00408; TOPMed 0.00446.
gnomAD v4.1: 1,132 of 1,614,122 alleles (0.07%); highest among the groups gnomAD compares: African/African-American, 1.3%; 3 homozygotes.

Submissions (8):

Labcorp Genetics (formerly Invitae), Labcorp
Classification: Benign. Last evaluated: 2026-02-01. Review status: criteria provided, single submitter. Criteria: Invitae Variant Classification Sherloc (09022015). Collection method: clinical testing. Allele origin: germline.

Blueprint Genetics
Classification: Likely benign. Last evaluated: 2024-11-26. Review status: criteria provided, single submitter. Criteria: ACMG Guidelines, 2015. Collection method: clinical testing. Allele origin: germline.

Breakthrough Genomics
Classification: Benign. Review status: criteria provided, single submitter. Criteria: ACMG Guidelines, 2015. Collection method: not provided. Allele origin: germline. Inheritance: Autosomal recessive inheritance. Affected: yes.

PreventionGenetics, part of Exact Sciences
Classification: Benign for EML1-related condition. Last evaluated: 2024-03-21. Review status: no assertion criteria provided. Collection method: clinical testing. Allele origin: germline. Not counted in ClinVar's aggregate classification.
Comment: This variant is classified as benign based on ACMG/AMP sequence variant interpretation guidelines (Richards et al. 2015 PMID: 25741868, with internal and published modifications).

Dr. Peter K. Rogan Lab, Western University
No classification provided (evidence only). Condition: Clear cell carcinoma of kidney. Review status: no classification provided. Collection method: in vitro. Allele origin: not applicable. Functional consequence: skipped exon. Not counted in ClinVar's aggregate classification.

Dr. Peter K. Rogan Lab, Western University
No classification provided (evidence only). Condition: Lung cancer. Review status: no classification provided. Collection method: in vitro. Allele origin: not applicable. Functional consequence: retained intron. Not counted in ClinVar's aggregate classification.

Dr. Peter K. Rogan Lab, Western University
No classification provided (evidence only). Condition: Thyroid cancer, nonmedullary, 1. Review status: no classification provided. Collection method: in vitro. Allele origin: not applicable. Functional consequence: retained intron. Not counted in ClinVar's aggregate classification.

Dr. Peter K. Rogan Lab, Western University
No classification provided (evidence only). Condition: Thyroid cancer, nonmedullary, 1. Review status: no classification provided. Collection method: in vitro. Allele origin: not applicable. Functional consequence: retained intron. Not counted in ClinVar's aggregate classification.

NM_004434.3(EML1):c.1794G>A (p.Val598=)

Gene: EML1 (EMAP like 1; plus strand). Cytogenetic location: 14q32.2.
Variant type: single nucleotide variant.
Coding change: c.1794G>A on transcript NM_004434.3 (MANE Select); coding-DNA position 1794, G replaced by A.
Protein change: p.Val598=; no amino-acid change (valine 598 retained).
Molecular consequence: synonymous variant.
Genome position (GRCh38, 1-based): chr14:99,917,823, G>A. VCF-style: chr14-99917823-G-A. GRCh37 (hg19) VCF-style: chr14-100384160-G-A.
Other names: c.1851G>A, p.Val617= (NM_001008707.2); c.1755G>A, p.Val585= (NM_001375411.1); c.1662G>A, p.Val554= (NM_001375412.1).
Identifiers: ClinVar variation 722400 (VCV000722400.13), dbSNP rs34820758, ClinGen allele CA7342738.